The following is an entry in ClinVar:

NM_006734.4(HIVEP2):c.2298G>C (p.Gln766His)

Gene: HIVEP2 (HIVEP zinc finger 2; minus strand). Cytogenetic location: 6q24.2.
Variant type: single nucleotide variant.
Coding change: c.2298G>C on transcript NM_006734.4 (MANE Select); coding-DNA position 2298, G replaced by C.
Protein change: p.Gln766His; replaces glutamine 766 with histidine.
Molecular consequence: missense variant.
Genome position (GRCh38, 1-based): chr6:142,772,441, C>G on the plus strand (G>C on the coding strand, the complement: HIVEP2 is on the minus strand). VCF-style: chr6-142772441-C-G. GRCh37 (hg19) VCF-style: chr6-143093578-C-G.
Other names: short protein forms Q766H.
Identifiers: ClinVar variation 2695563 (VCV002695563.3), dbSNP rs1037465569, ClinGen allele CA365910220.

ClinVar aggregate classification (germline): Uncertain significance (1 of 4 stars; one submission).

Submission:

Labcorp Genetics (formerly Invitae), Labcorp
Classification: Uncertain significance. Last evaluated: 2024-09-06. Review status: criteria provided, single submitter. Criteria: Invitae Variant Classification Sherloc (09022015). Collection method: clinical testing. Allele origin: germline.
Comment: This sequence change replaces glutamine, which is neutral and polar, with histidine, which is basic and polar, at codon 766 of the HIVEP2 protein (p.Gln766His). This variant is not present in population databases (gnomAD no frequency). This variant has not been reported in the literature in individuals affected with HIVEP2-related conditions. This missense change has been observed in at least one individual who was not affected with HIVEP2-related conditions (internal data). Invitae Evidence Modeling of protein sequence and biophysical properties (such as structural, functional, and spatial information, amino acid conservation, physicochemical variation, residue mobility, and thermodynamic stability) has been performed for this missense variant. However, the output from this modeling did not meet the statistical confidence thresholds required to predict the impact of this variant on HIVEP2 protein function. In summary, the available evidence is currently insufficient to determine the role of this variant in disease. Therefore, it has been classified as a Variant of Uncertain Significance.